The following is an entry in ClinVar:

ClinVar aggregate classification (germline): Uncertain significance (1 of 4 stars; one submission).

Allele frequency attached by ClinVar (database versions not stated): gnomAD exomes below 0.00001; TOPMed below 0.00001; gnomAD 0.00002.
gnomAD v4.1: 6 of 1,605,700 alleles (0.00037%); highest among the groups gnomAD compares: African/African-American, 0.0013%; no homozygotes.

Submission:

Labcorp Genetics (formerly Invitae), Labcorp
Classification: Uncertain significance. Last evaluated: 2025-09-07. Review status: criteria provided, single submitter. Criteria: Invitae Variant Classification Sherloc (09022015). Collection method: clinical testing. Allele origin: germline.
Comment: This sequence change replaces glutamic acid, which is acidic and polar, with valine, which is neutral and non-polar, at codon 146 of the OAS1 protein (p.Glu146Val). This variant is present in population databases (no rsID available, gnomAD 0.01%). This variant has not been reported in the literature in individuals affected with OAS1-related conditions. ClinVar contains an entry for this variant (Variation ID: 2178163). An algorithm developed to predict the effect of missense changes on protein structure and function (PolyPhen-2) suggests that this variant is likely to be disruptive. In summary, the available evidence is currently insufficient to determine the role of this variant in disease. Therefore, it has been classified as a Variant of Uncertain Significance.

NM_016816.4(OAS1):c.437A>T (p.Glu146Val)

Gene: OAS1 (2'-5'-oligoadenylate synthetase 1; plus strand). Cytogenetic location: 12q24.13.
Variant type: single nucleotide variant.
Coding change: c.437A>T on transcript NM_016816.4 (MANE Select); coding-DNA position 437, A replaced by T.
Protein change: p.Glu146Val; replaces glutamic acid 146 with valine.
Molecular consequence: missense variant.
Genome position (GRCh38, 1-based): chr12:112,908,792, A>T. VCF-style: chr12-112908792-A-T. GRCh37 (hg19) VCF-style: chr12-113346597-A-T.
Other names: c.437A>T, p.Glu146Val (NM_001032409.3, NM_001320151.2, NM_001406020.1 and 7 more transcripts); short protein forms E146V.
Identifiers: ClinVar variation 2178163 (VCV002178163.4), dbSNP rs1471453185, ClinGen allele CA386801007.